The following is an entry in ClinVar:

NM_000193.4(SHH):c.1091A>G (p.Tyr364Cys)

Gene: SHH (sonic hedgehog signaling molecule; minus strand). Cytogenetic location: 7q36.3.
Variant type: single nucleotide variant.
Coding change: c.1091A>G on transcript NM_000193.4 (MANE Select); coding-DNA position 1091, A replaced by G.
Protein change: p.Tyr364Cys; replaces tyrosine 364 with cysteine.
Molecular consequence: missense variant. On other transcripts: intron variant (1).
Genome position (GRCh38, 1-based): chr7:155,803,198, T>C on the plus strand (A>G on the coding strand, the complement: SHH is on the minus strand). VCF-style: chr7-155803198-T-C. GRCh37 (hg19) VCF-style: chr7-155595892-T-C.
Other names: c.302-2953A>G (NM_001310462.2); short protein forms Y364C.
Identifiers: ClinVar variation 3775156 (VCV003775156.1).

ClinVar aggregate classification (germline): Likely pathogenic (1 of 4 stars; one submission).

Conditions:
Holoprosencephaly 3 (HPE3). Identifiers: Orphanet 2162, MedGen C1840529, MONDO:0007733, OMIM 142945.

Submission:

Laboratory of Molecular Genetics, CHU Rennes
Classification: Likely pathogenic for Holoprosencephaly 3. Last evaluated: 2025-02-27. Review status: criteria provided, single submitter. Criteria: ACMG Guidelines, 2015. Collection method: clinical testing. Allele origin: unknown. Inheritance: Autosomal dominant inheritance. Affected: yes.
Comment: The NM_000193.4:c.1091A>G, is a missense variant in SHH in the Hint domain (PM1), absent from controls (PM2), predicted pathogenic by prediction tools (PP3), and occurred in several members in the same family with a typical form of holoprosencephaly (PP1). In summary, this variant meets criteria to be classified as likely pathogenic for holoprosencephaly based on the ACMG criteria applied.